The following is an entry in ClinVar:

ClinVar aggregate classification (germline): Uncertain significance (1 of 4 stars; one submission).

Conditions:
Short-rib thoracic dysplasia 6 with or without polydactyly (SRTD6). Also called: Majewski Syndrome; SHORT RIB-POLYDACTYLY SYNDROME, TYPE IIA; SHORT-RIB THORACIC DYSPLASIA 6 WITH POLYDACTYLY; SHORT-RIB THORACIC DYSPLASIA 6 WITHOUT POLYDACTYLY; POLYDACTYLY WITH NEONATAL CHONDRODYSTROPHY, TYPE II. Identifiers: MedGen C0024507, MONDO:0009894, OMIM 263520.

gnomAD v4.1: 3 of 1,612,878 alleles (0.00019%); highest among the groups gnomAD compares: African/African-American, 0.004%; no homozygotes.

Submission:

Labcorp Genetics (formerly Invitae), Labcorp
Classification: Uncertain significance for Short-rib thoracic dysplasia 6 with or without polydactyly. Last evaluated: 2025-04-23. Review status: criteria provided, single submitter. Criteria: Invitae Variant Classification Sherloc (09022015). Collection method: clinical testing. Allele origin: germline.
Comment: This sequence change replaces glycine, which is neutral and non-polar, with arginine, which is basic and polar, at codon 594 of the NEK1 protein (p.Gly594Arg). This variant is present in population databases (no rsID available, gnomAD 0.01%). This variant has not been reported in the literature in individuals affected with NEK1-related conditions. Invitae Evidence Modeling of protein sequence and biophysical properties (such as structural, functional, and spatial information, amino acid conservation, physicochemical variation, residue mobility, and thermodynamic stability) indicates that this missense variant is not expected to disrupt NEK1 protein function with a negative predictive value of 80%. In summary, the available evidence is currently insufficient to determine the role of this variant in disease. Therefore, it has been classified as a Variant of Uncertain Significance.

NM_001199397.3(NEK1):c.1864G>A (p.Gly622Arg)

Gene: NEK1 (NIMA related kinase 1; minus strand). Cytogenetic location: 4q33.
Variant type: single nucleotide variant.
Coding change: c.1864G>A on transcript NM_001199397.3 (MANE Select); coding-DNA position 1864, G replaced by A.
Protein change: p.Gly622Arg; replaces glycine 622 with arginine.
Molecular consequence: missense variant. On other transcripts: non-coding transcript variant (1).
Genome position (GRCh38, 1-based): chr4:169,507,762, C>T on the plus strand (G>A on the coding strand, the complement: NEK1 is on the minus strand). VCF-style: chr4-169507762-C-T. GRCh37 (hg19) VCF-style: chr4-170428913-C-T.
Other names: c.1732G>A, p.Gly578Arg (NM_001199398.3, NM_001440622.1); c.1573G>A, p.Gly525Arg (NM_001199399.3); c.1648G>A, p.Gly550Arg (NM_001199400.3, NM_001440623.1); c.1864G>A, p.Gly622Arg (NM_001374418.1, NM_001440620.1); c.1780G>A, p.Gly594Arg (NM_001374419.1, NM_001440621.1, NM_012224.4); c.1729G>A, p.Gly577Arg (NM_001374420.1); c.1654G>A, p.Gly552Arg (NM_001374421.1); c.1159G>A, p.Gly387Arg (NM_001440624.1); and 1 more; short protein forms G343R, G387R, G622R, G525R, G578R, G550R, G577R, G552R.
Identifiers: ClinVar variation 4745090 (VCV004745090.1).